The following is an entry in ClinVar:

NM_182961.4(SYNE1):c.22473G>A (p.Leu7491=)

Gene: SYNE1 (spectrin repeat containing nuclear envelope protein 1; minus strand). Cytogenetic location: 6q25.2.
Variant type: single nucleotide variant.
Coding change: c.22473G>A on transcript NM_182961.4 (MANE Select); coding-DNA position 22473, G replaced by A.
Protein change: p.Leu7491=; no amino-acid change (leucine 7491 retained).
Molecular consequence: synonymous variant.
Genome position (GRCh38, 1-based): chr6:152,213,633, C>T on the plus strand (G>A on the coding strand, the complement: SYNE1 is on the minus strand). VCF-style: chr6-152213633-C-T. GRCh37 (hg19) VCF-style: chr6-152534768-C-T.
Other names: p.Leu7420=; c.22260G>A, p.Leu7420= (NM_033071.5).
Identifiers: ClinVar variation 130421 (VCV000130421.24), dbSNP rs34891041, ClinGen allele CA155410.

ClinVar aggregate classification (germline): Benign. Review status: criteria provided, multiple submitters, no conflicts (2 of 4 stars). 10 submissions from 9 submitters: Benign (7). 3 of the submissions do not count toward it. Last evaluated 2026-02-02.

Conditions:
Emery-Dreifuss muscular dystrophy 4, autosomal dominant (EDMD4). Also called: EMERY-DREIFUSS MUSCULAR DYSTROPHY 4 WITH VARIABLE FEATURES. Identifiers: Orphanet 261, MedGen C2751807, MONDO:0013071, OMIM 612998.
Autosomal recessive ataxia, Beauce type. Also called: SYNE1-Related Autosomal Recessive Cerebellar Ataxia; ATAXIA, RECESSIVE, OF BEAUCE; Spinocerebellar ataxia, autosomal recessive 8; SYNE1 Deficiency. Identifiers: Orphanet 88644, MedGen C1853116, MONDO:0012549, OMIM 610743.

Allele frequency attached by ClinVar (database versions not stated): 1000 Genomes Project 30x 0.02046; gnomAD exomes 0.02805 and 0.02408; 1000 Genomes Project 0.02057; gnomAD 0.03116 and 0.03277; ExAC 0.02611; ESP Exome Variant Server 0.03275; TOPMed 0.03083.
gnomAD v4.1: 45,580 of 1,613,978 alleles (2.8%); highest among the groups gnomAD compares: African/African-American, 4.8%; 781 homozygotes.

Submissions (10):

Labcorp Genetics (formerly Invitae), Labcorp
Classification: Benign for Emery-Dreifuss muscular dystrophy 4, autosomal dominant; Autosomal recessive ataxia, Beauce type. Last evaluated: 2026-02-02. Review status: criteria provided, single submitter. Criteria: Invitae Variant Classification Sherloc (09022015). Collection method: clinical testing. Allele origin: germline.

Mayo Clinic Laboratories, Mayo Clinic
Classification: Benign. Last evaluated: 2022-12-20. Review status: criteria provided, single submitter. Criteria: ACMG Guidelines, 2015. Collection method: clinical testing. Allele origin: germline. Observed: 61 variant alleles.

Athena Diagnostics
Classification: Benign. Last evaluated: 2018-12-18. Review status: criteria provided, single submitter. Criteria: Athena Diagnostics Criteria. Collection method: clinical testing. Allele origin: germline.

Illumina Laboratory Services, Illumina
Classification: Benign for Autosomal recessive ataxia, Beauce type. Last evaluated: 2018-01-13. Review status: criteria provided, single submitter. Criteria: ICSL Variant Classification Criteria 13 December 2019. Collection method: clinical testing. Allele origin: germline.
Comment: This variant was observed in the ICSL laboratory as part of a predisposition screen in an ostensibly healthy population. It had not been previously curated by ICSL or reported in the Human Gene Mutation Database (HGMD: prior to June 1st, 2018), and was therefore a candidate for classification through an automated scoring system. Utilizing variant allele frequency, disease prevalence and penetrance estimates, and inheritance mode, an automated score was calculated to assess if this variant is too frequent to cause the disease. Based on the score and internal cut-off values, a variant classified as benign is not then subjected to further curation. The score for this variant resulted in a classification of benign for this disease.

Illumina Laboratory Services, Illumina
Classification: Benign for Emery-Dreifuss muscular dystrophy 4, autosomal dominant. Last evaluated: 2018-01-13. Review status: criteria provided, single submitter. Criteria: ICSL Variant Classification Criteria 13 December 2019. Collection method: clinical testing. Allele origin: germline.
Comment: the same text as in the submission from Illumina Laboratory Services, Illumina above.

GeneDx
Classification: Benign. Last evaluated: 2016-01-28. Review status: criteria provided, single submitter. Criteria: GeneDx Variant Classification (06012015). Collection method: clinical testing. Allele origin: germline. Affected: yes.
Comment: This variant is considered likely benign or benign based on one or more of the following criteria: it is a conservative change, it occurs at a poorly conserved position in the protein, it is predicted to be benign by multiple in silico algorithms, and/or has population frequency not consistent with disease.

PreventionGenetics, part of Exact Sciences
Classification: Benign. Review status: criteria provided, single submitter. Criteria: ACMG Guidelines, 2015. Collection method: clinical testing. Allele origin: germline.

Clinical Genetics DNA and cytogenetics Diagnostics Lab, Erasmus MC, Erasmus Medical Center
Classification: Benign. Review status: no assertion criteria provided. Collection method: clinical testing. Allele origin: germline. Affected: yes. Study: VKGL Data-share Consensus. Not counted in ClinVar's aggregate classification.

Genetic Services Laboratory, University of Chicago
Classification: Likely benign for AllHighlyPenetrant. Review status: no assertion criteria provided. Collection method: clinical testing. Allele origin: germline. Inheritance: Autosomal dominant inheritance. Not counted in ClinVar's aggregate classification.
Comment: Likely benign based on allele frequency in 1000 Genomes Project or ESP global frequency and its presence in a patient with a rare or unrelated disease phenotype. NOT Sanger confirmed.

Joint Genome Diagnostic Labs from Nijmegen and Maastricht, Radboudumc and MUMC+
Classification: Benign. Review status: no assertion criteria provided. Collection method: clinical testing. Allele origin: germline. Affected: yes. Study: VKGL Data-share Consensus. Not counted in ClinVar's aggregate classification.